The following is an entry in ClinVar:

ClinVar aggregate classification (germline): Uncertain significance. Review status: criteria provided, multiple submitters, no conflicts (2 of 4 stars). 2 submissions from 2 submitters: Uncertain significance (2). Last evaluated 2025-06-19.

Conditions:
Cardiovascular phenotype. Identifiers: MedGen CN230736.

Submissions (2):

Ambry Genetics
Classification: Uncertain significance for Cardiovascular phenotype. Last evaluated: 2025-06-19. Review status: criteria provided, single submitter. Criteria: Ambry Variant Classification Scheme 2023. Collection method: clinical testing. Allele origin: germline.

GeneDx
Classification: Uncertain significance. Last evaluated: 2014-04-03. Review status: criteria provided, single submitter. Criteria: GeneDx Variant Classification (06012015). Collection method: clinical testing. Allele origin: germline. Affected: yes.
Comment: p.Arg294Ser (CGT>AGT): c.880 C>A in exon 3 of the BAG3 gene (NM_004281.3). Mutations in BAG3 account for approximately 2.5% of familial DCM cases (Hershberger RE and Morales A, 2013). Mutations in BAG3 may also cause myofibrillar myopathy type 6, which is characterized by early-onset, severe, progressive, diffuse muscle weakness associated with cardiomyopathy, severe respiratory insufficiency and spine rigidity (Hershberger RE and Morales A, 2013). The R294S variant has not been published as a mutation, nor has it been reported as a benign polymorphism to our knowledge. The R294S variant was not observed in approximately 6,500 individuals of European and African American ancestry in the NHLBI Exome Sequencing Project, indicating it is not a common benign variant in these populations. The R294S variant is a semi-conservative amino acid substitution, which may impact secondary protein structure as these residues differ in some properties. This substitution occurs at a position that is conserved in mammals. Nevertheless, in silico analysis predicts this variant likely does not alter the protein structure/function. Additionally, no missense mutations in nearby residues have been reported in association with cariomyopathy, suggesting this region of the protein may be tolerant of change. Therefore, based on the currently available information, it is unclear whether this variant is a pathogenic mutation or a rare benign variant. The variant is found in CARDIOMYOPATHY panel(s).

NM_004281.4(BAG3):c.880C>A (p.Arg294Ser)

Gene: BAG3 (BAG cochaperone 3; plus strand). Cytogenetic location: 10q26.11.
Variant type: single nucleotide variant.
Coding change: c.880C>A on transcript NM_004281.4 (MANE Select); coding-DNA position 880, C replaced by A.
Protein change: p.Arg294Ser; replaces arginine 294 with serine.
Molecular consequence: missense variant.
Genome position (GRCh38, 1-based): chr10:119,672,627, C>A. VCF-style: chr10-119672627-C-A. GRCh37 (hg19) VCF-style: chr10-121432139-C-A.
Other names: p.R294S:CGT>AGT; short protein forms R294S.
Identifiers: ClinVar variation 201681 (VCV000201681.3), dbSNP rs144585878, ClinGen allele CA308230.